The following is an entry in ClinVar:

NM_024577.4(SH3TC2):c.1583C>T (p.Ala528Val)

Gene: SH3TC2 (SH3 domain and tetratricopeptide repeats 2; minus strand). Cytogenetic location: 5q32.
Variant type: single nucleotide variant.
Coding change: c.1583C>T on transcript NM_024577.4 (MANE Select); coding-DNA position 1583, C replaced by T.
Protein change: p.Ala528Val; replaces alanine 528 with valine.
Molecular consequence: missense variant.
Genome position (GRCh38, 1-based): chr5:149,028,149, G>A on the plus strand (C>T on the coding strand, the complement: SH3TC2 is on the minus strand). VCF-style: chr5-149028149-G-A. GRCh37 (hg19) VCF-style: chr5-148407712-G-A.
Other names: short protein forms A528V.
Identifiers: ClinVar variation 916844 (VCV000916844.11), dbSNP rs537134516, ClinGen allele CA3499154.

ClinVar aggregate classification (germline): Conflicting classifications of pathogenicity. Review status: criteria provided, conflicting classifications (1 of 4 stars). 6 submissions from 6 submitters: Uncertain significance (1); Benign (1); Likely benign (4). Last evaluated 2026-05-11.

Conditions:
Charcot-Marie-Tooth disease. Also called: Charcot-Marie-Tooth Neuropathy; Charcot-Marie-Tooth Hereditary Neuropathy. Identifiers: Orphanet 166, MedGen C0007959, MONDO:0015626.
SH3TC2-related disorder. Also called: SH3TC2-related disorders; SH3TC2-related condition. Identifiers: MedGen CN239303.
Charcot-Marie-Tooth disease type 4. Also called: Charcot-Marie-Tooth disease, type IV; Charcot-Marie-Tooth, Type 4. Identifiers: Orphanet 64749, MedGen C4082197, MONDO:0018995.

Allele frequency attached by ClinVar (database versions not stated): gnomAD below 0.00001 and 0.00007; TOPMed below 0.00001; gnomAD exomes 0.00036; ExAC 0.00038; 1000 Genomes Project 30x 0.00047; 1000 Genomes Project 0.00060.
gnomAD v4.1: 255 of 1,614,094 alleles (0.016%); highest among the groups gnomAD compares: South Asian, 0.26%; 2 homozygotes.

Submissions (6):

PreventionGenetics, part of Exact Sciences
Classification: Likely benign for SH3TC2-related condition. Last evaluated: 2026-05-11. Review status: criteria provided, single submitter. Criteria: ACMG Guidelines, 2015. Collection method: clinical testing. Allele origin: germline.
Comment: This variant is classified as likely benign based on ACMG/AMP sequence variant interpretation guidelines (Richards et al. 2015 PMID: 25741868, with internal and published modifications).

Labcorp Genetics (formerly Invitae), Labcorp
Classification: Benign for Charcot-Marie-Tooth disease type 4. Last evaluated: 2025-09-28. Review status: criteria provided, single submitter. Criteria: Invitae Variant Classification Sherloc (09022015). Collection method: clinical testing. Allele origin: germline.

Blueprint Genetics
Classification: Likely benign. Last evaluated: 2024-10-28. Review status: criteria provided, single submitter. Criteria: ACMG Guidelines, 2015. Collection method: clinical testing. Allele origin: germline.

Dubai Health Genomic Medicine Center, Dubai Health
Classification: Likely benign. Last evaluated: 2020-01-06. Review status: criteria provided, single submitter. Criteria: ACMG Guidelines, 2015. Collection method: clinical testing. Allele origin: germline. Affected: yes.

GeneDx
Classification: Likely benign. Last evaluated: 2018-07-19. Review status: criteria provided, single submitter. Criteria: GeneDx Variant Classification Process June 2021. Collection method: clinical testing. Allele origin: germline. Affected: yes.

Molecular Genetics Laboratory, London Health Sciences Centre
Classification: Uncertain significance for Charcot-Marie-Tooth disease. Review status: criteria provided, single submitter. Criteria: ACMG Guidelines, 2015. Collection method: clinical testing. Allele origin: germline. Affected: yes.